The following is an entry in ClinVar:

NM_000465.4(BARD1):c.640dup (p.Ile214fs)

Gene: BARD1 (BRCA1 associated RING domain 1; minus strand). Cytogenetic location: 2q35.
Variant type: Duplication.
Coding change: c.640dup on transcript NM_000465.4 (MANE Select); coding-DNA position 640, one base duplicated (A; older notation c.640dupA).
Protein change: p.Ile214fs; shifts the reading frame from isoleucine 214.
Molecular consequence: frameshift variant. On other transcripts: non-coding transcript variant (2), intron variant (3).
Genome position (GRCh38, 1-based): chr2:214,781,234, T duplicated on the plus strand (A on the coding strand, the reverse complement: BARD1 is on the minus strand); the first of 3 consecutive T bases (chr2:214,781,234-214,781,236); duplicating any one gives the same sequence. VCF-style (leftmost placement, unchanged base first): chr2-214781233-A-AT. GRCh37 (hg19) VCF-style: chr2-215645957-A-AT.
Other names: c.583dup, p.Ile195fs (NM_001282543.2); c.158+28178dup (NM_001282548.2); c.215+15827dup (NM_001282545.2); c.364+11063dup (NM_001282549.2); short protein forms I195fs, I214fs.
Identifiers: ClinVar variation 2703399 (VCV002703399.3), dbSNP rs2469510700, ClinGen allele CA2697550341.

ClinVar aggregate classification (germline): Pathogenic (1 of 4 stars; one submission).

Conditions:
Familial cancer of breast. Also called: Hereditary breast cancer; BREAST CANCER, FAMILIAL; hereditary breast carcinoma. Identifiers: Orphanet 227535, MedGen C0346153, MONDO:0016419, OMIM 114480. Disease mechanism: loss of function.

Submission:

Labcorp Genetics (formerly Invitae), Labcorp
Classification: Pathogenic for Familial cancer of breast. Last evaluated: 2023-12-15. Review status: criteria provided, single submitter. Criteria: Invitae Variant Classification Sherloc (09022015). Collection method: clinical testing. Allele origin: germline.
Comment: This sequence change creates a premature translational stop signal (p.Ile214Asnfs*15) in the BARD1 gene. It is expected to result in an absent or disrupted protein product. Loss-of-function variants in BARD1 are known to be pathogenic (PMID: 20077502, 21344236). This variant is not present in population databases (gnomAD no frequency). This variant has not been reported in the literature in individuals affected with BARD1-related conditions. For these reasons, this variant has been classified as Pathogenic.

Literature cited by the submitters: PubMed 20077502; PubMed 21344236.